The following is an entry in ClinVar:

NM_006231.4(POLE):c.745C>T (p.Arg249Ter)

Gene: POLE (DNA polymerase epsilon, catalytic subunit; minus strand). Cytogenetic location: 12q24.33.
Variant type: single nucleotide variant.
Coding change: c.745C>T on transcript NM_006231.4 (MANE Select); coding-DNA position 745, C replaced by T.
Protein change: p.Arg249Ter; replaces arginine 249 with a stop codon.
Molecular consequence: nonsense.
Genome position (GRCh38, 1-based): chr12:132,677,419, G>A on the plus strand (C>T on the coding strand, the complement: POLE is on the minus strand). VCF-style: chr12-132677419-G-A. GRCh37 (hg19) VCF-style: chr12-133254005-G-A.
Other names: short protein forms R249*.
Identifiers: ClinVar variation 566551 (VCV000566551.13), dbSNP rs769190256, ClinGen allele CA6894198.

ClinVar aggregate classification (germline): Conflicting classifications of pathogenicity. Review status: criteria provided, conflicting classifications (1 of 4 stars). 2 submissions from 2 submitters: Pathogenic (1); Uncertain significance (1). Last evaluated 2025-08-25.

Conditions:
Hereditary cancer-predisposing syndrome. Also called: Neoplastic Syndromes, Hereditary; Tumor predisposition; Hereditary neoplastic syndrome; Hereditary Cancer Syndrome. Identifiers: Orphanet 140162, MedGen C0027672, MeSH D009386, MONDO:0015356.

Allele frequency attached by ClinVar (database versions not stated): TOPMed below 0.00001; gnomAD 0.00001; ExAC 0.00002.
gnomAD v4.1: 16 of 1,613,814 alleles (0.00099%); highest among the groups gnomAD compares: East Asian, 0.0067%; no homozygotes.

Submissions (2):

Labcorp Genetics (formerly Invitae), Labcorp
Classification: Pathogenic. Last evaluated: 2025-08-25. Review status: criteria provided, single submitter. Criteria: Invitae Variant Classification Sherloc (09022015). Collection method: clinical testing. Allele origin: germline.
Comment: This sequence change creates a premature translational stop signal (p.Arg249*) in the POLE gene. It is expected to result in an absent or disrupted protein product. Loss-of-function variants in POLE are known to be pathogenic (PMID: 23230001, 25948378, 30503519). This variant is present in population databases (rs769190256, gnomAD 0.003%). This variant has not been reported in the literature in individuals affected with POLE-related conditions. ClinVar contains an entry for this variant (Variation ID: 566551). RNA analysis performed to evaluate the impact of this premature translational stop signal on mRNA splicing indicates it does not significantly alter splicing (internal data). For these reasons, this variant has been classified as Pathogenic.

Ambry Genetics
Classification: Uncertain significance for Hereditary cancer-predisposing syndrome. Last evaluated: 2025-04-29. Review status: criteria provided, single submitter. Criteria: Ambry Variant Classification Scheme 2023. Collection method: clinical testing. Allele origin: germline.
Comment: The p.R249* variant (also known as c.745C>T), located in coding exon 8 of the POLE gene, results from a C to T substitution at nucleotide position 745. This changes the amino acid from an arginine to a stop codon within coding exon 8. This alteration is expected to result in loss of function by premature protein truncation or nonsense-mediated mRNA decay. Although biallelic loss of function of POLE has been associated with autosomal recessive POLE deficiency, haploinsufficiency of POLE has not been established as a mechanism of disease for POLE-related polymerase proofreading-associated polyposis (PPAP) and POLE-related CMMRD-like syndrome. Based on the supporting evidence, this variant is expected to be causative of POLE deficiency when present along with a second pathogenic variant on the other allele; however, its clinical significance for PPAP and POLE-related CMMRD-like syndrome is unclear.

Literature cited by the submitters: PubMed 23230001 (cited by Labcorp Genetics (formerly Invitae), Labcorp); PubMed 25948378 (cited by Labcorp Genetics (formerly Invitae), Labcorp); PubMed 30503519 (cited by Labcorp Genetics (formerly Invitae), Labcorp).